The following is an entry in ClinVar:

ClinVar aggregate classification (germline): Uncertain significance (1 of 4 stars; one submission).

Submission:

GeneDx
Classification: Uncertain significance. Last evaluated: 2026-03-25. Review status: criteria provided, single submitter. Criteria: GeneDx Variant Classification Process June 2021. Collection method: clinical testing. Allele origin: germline.
Comment: Not observed at significant frequency in large population cohorts (gnomAD); In silico analysis supports that this missense variant has a deleterious effect on protein structure/function; Has not been previously published as pathogenic or benign to our knowledge.

NM_017780.4(CHD7):c.5738T>G (p.Leu1913Arg)

Gene: CHD7 (chromodomain helicase DNA binding protein 7; plus strand). Cytogenetic location: 8q12.2.
Variant type: single nucleotide variant.
Coding change: c.5738T>G on transcript NM_017780.4 (MANE Select); coding-DNA position 5738, T replaced by G.
Protein change: p.Leu1913Arg; replaces leucine 1913 with arginine.
Molecular consequence: missense variant. On other transcripts: intron variant (1).
Genome position (GRCh38, 1-based): chr8:60,852,091, T>G. VCF-style: chr8-60852091-T-G. GRCh37 (hg19) VCF-style: chr8-61764650-T-G.
Other names: c.1717-10138T>G (NM_001316690.1); short protein forms L1913R.
Identifiers: ClinVar variation 5017104 (VCV005017104.1).
Genomic context (GRCh38, chr8:60,852,091, plus strand): 5'-AGAGTAATGCTGAGTTAGGCCAACTTTACTGGCCTAACACTTCAACCCTGACTACACGTC[T>G]GCGCCGGCTCATTACTGCCTATCAGCGCAGCTATAAAAGGCAACAGATGAGGCAAGAGGC-3'
Protein context (NP_060250.2, residues 1903-1923): WPNTSTLTTR[Leu1913Arg]RRLITAYQRS